The following is an entry in ClinVar:

ClinVar aggregate classification (germline): Uncertain significance (1 of 4 stars; one submission).

Conditions:
Hereditary sensory and autonomic neuropathy type 6. Also called: HSAN VI; Neuropathy, hereditary sensory and autonomic, type VI. Identifiers: Orphanet 314381, MedGen C3539003, MONDO:0013839, OMIM 614653.
Epidermolysis bullosa simplex 3, localized or generalized intermediate, with BP230 deficiency (EBS3). Also called: Epidermolysis bullosa simplex, autosomal recessive 2; Epidermolysis bullosa simplex due to BP230 deficiency. Identifiers: Orphanet 412181, MedGen C3809470, MONDO:0014180, OMIM 615425.

Allele frequency attached by ClinVar (database versions not stated): gnomAD exomes below 0.00001.
gnomAD v4.1: 2 of 1,611,378 alleles (0.00012%); highest among the groups gnomAD compares: Non-Finnish European, 0.00017%; no homozygotes.

Submission:

Labcorp Genetics (formerly Invitae), Labcorp
Classification: Uncertain significance for Epidermolysis bullosa simplex 3, localized or generalized intermediate, with BP230 deficiency; Hereditary sensory and autonomic neuropathy type 6. Last evaluated: 2020-12-01. Review status: criteria provided, single submitter. Criteria: Invitae Variant Classification Sherloc (09022015). Collection method: clinical testing. Allele origin: germline.
Comment: This variant has not been reported in the literature in individuals with DST-related conditions. This variant is not present in population databases (ExAC no frequency). This sequence change replaces lysine with glutamic acid at codon 3714 of the DST protein (p.Lys3714Glu). The lysine residue is moderately conserved and there is a small physicochemical difference between the two amino acids. The DST gene has multiple clinically relevant transcripts. This variant occurs in alternate transcript NM_015548.4, and corresponds to NM_001723.5:c.*105872A>G in the primary transcript. Experimental studies and prediction algorithms are not available or were not evaluated, and the functional significance of this variant is currently unknown. In summary, the available evidence is currently insufficient to determine the role of this variant in disease. Therefore, it has been classified as a Variant of Uncertain Significance.

NM_001374736.1(DST):c.19009A>G (p.Lys6337Glu)

Gene: DST (dystonin; minus strand). Cytogenetic location: 6p12.1.
Variant type: single nucleotide variant.
Coding change: c.19009A>G on transcript NM_001374736.1 (MANE Select); coding-DNA position 19009, A replaced by G.
Protein change: p.Lys6337Glu; replaces lysine 6337 with glutamic acid.
Molecular consequence: missense variant.
Genome position (GRCh38, 1-based): chr6:56,509,645, T>C on the plus strand (A>G on the coding strand, the complement: DST is on the minus strand). VCF-style: chr6-56509645-T-C. GRCh37 (hg19) VCF-style: chr6-56374443-T-C.
Other names: c.12652A>G, p.Lys4218Glu (NM_001144769.5); c.12238A>G, p.Lys4080Glu (NM_001144770.2); c.19009A>G, p.Lys6337Glu (NM_001374722.1); c.18049A>G, p.Lys6017Glu (NM_001374729.1); c.11791A>G, p.Lys3931Glu (NM_001374730.1); c.19036A>G, p.Lys6346Glu (NM_001374734.1); c.12118A>G, p.Lys4040Glu (NM_001386100.1, NM_183380.4); c.11140A>G, p.Lys3714Glu (NM_015548.5); short protein forms K3714E, K3931E, K4040E, K4080E, K4218E, K6017E, K6337E, K6346E.
Identifiers: ClinVar variation 1026188 (VCV001026188.7), dbSNP rs2096426641, ClinGen allele CA364523844.